The following is an entry in ClinVar:

ClinVar aggregate classification (germline): Benign. Review status: criteria provided, single submitter (1 of 4 stars). 2 submissions from 2 submitters: Benign (1). 1 of the submissions does not count toward it. Last evaluated 2026-01-28.

Conditions:
PHIP-related disorder. Also called: PHIP-related disorders; PHIP-related condition.

Allele frequency attached by ClinVar (database versions not stated): 1000 Genomes Project 30x 0.02577; ESP Exome Variant Server 0.02605; gnomAD exomes 0.00235 and 0.00646; ExAC 0.00784; gnomAD 0.02307 and 0.02463; 1000 Genomes Project 0.02516; TOPMed 0.02575.

Submissions (2):

Labcorp Genetics (formerly Invitae), Labcorp
Classification: Benign. Last evaluated: 2026-01-28. Review status: criteria provided, single submitter. Criteria: Invitae Variant Classification Sherloc (09022015). Collection method: clinical testing. Allele origin: germline.

PreventionGenetics, part of Exact Sciences
Classification: Benign for PHIP-related condition. Last evaluated: 2021-08-10. Review status: no assertion criteria provided. Collection method: clinical testing. Allele origin: germline. Not counted in ClinVar's aggregate classification.
Comment: This variant is classified as benign based on ACMG/AMP sequence variant interpretation guidelines (Richards et al. 2015 PMID: 25741868, with internal and published modifications).

NM_017934.7(PHIP):c.4206+5_4206+8del

Genes: IRAK1BP1 (interleukin 1 receptor associated kinase 1 binding protein 1; plus strand), PHIP (PHIP subunit of CUL4-Ring ligase complex; minus strand). Cytogenetic location: 6q14.1.
Variant type: Deletion.
Coding change: c.4206+5_4206+8del on transcript NM_017934.7 (MANE Select); bases 5 to 8 of the intron after coding-DNA position 4206, 4 bases deleted (ATAA; older notation c.4206+5_4206+8delATAA).
Molecular consequence: intron variant.
Genome position (GRCh38, 1-based): chr6:78,947,615-78,947,618, TTAT deleted on the plus strand (ATAA on the coding strand, the reverse complement: PHIP is on the minus strand). VCF-style (leftmost placement, unchanged base first): chr6-78947614-ATTAT-A. GRCh37 (hg19) VCF-style: chr6-79657331-ATTAT-A.
Other names: c.4206+5_4206+8del (NM_017934.5); c.4206+5_4206+8delATAA (NM_017934.6).
Identifiers: ClinVar variation 786092 (VCV000786092.12), dbSNP rs111686694, ClinGen allele CA3899512.